The following is an entry in ClinVar:

ClinVar aggregate classification (germline): Uncertain significance. Review status: criteria provided, multiple submitters, no conflicts (2 of 4 stars). 2 submissions from 2 submitters: Uncertain significance (2). Last evaluated 2024-09-23.

Conditions:
Long QT syndrome (LQTS). Identifiers: MedGen C0023976, MeSH D008133, MONDO:0002442. Disease mechanism: loss of function. Inheritance: Various modes of inheritance.

gnomAD v4.1: 2 of 1,606,386 alleles (0.00012%); highest among the groups gnomAD compares: African/African-American, 0.0013%; no homozygotes.

Submissions (2):

All of Us Research Program, National Institutes of Health
Classification: Uncertain significance for Long QT syndrome. Last evaluated: 2024-09-23. Review status: criteria provided, single submitter. Criteria: ACMG Guidelines, 2015. Collection method: clinical testing. Allele origin: germline. Inheritance: Autosomal dominant inheritance. Observed: 1 variant allele, 1 heterozygote.
Comment: This study involves interpretation of variants in research participants for the purpose of population health screening. Participant phenotype was not available at the time of variant classification. Additional details can be found in publication PMID: 35346344, PMCID: PMC8962531

Labcorp Genetics (formerly Invitae), Labcorp
Classification: Uncertain significance for Long QT syndrome. Last evaluated: 2023-05-01. Review status: criteria provided, single submitter. Criteria: Invitae Variant Classification Sherloc (09022015). Collection method: clinical testing. Allele origin: germline.
Comment: In summary, the available evidence is currently insufficient to determine the role of this variant in disease. Therefore, it has been classified as a Variant of Uncertain Significance. An algorithm developed to predict the effect of missense changes on protein structure and function (PolyPhen-2) suggests that this variant is likely to be disruptive. This variant has not been reported in the literature in individuals affected with KCNH2-related conditions. This variant is not present in population databases (gnomAD no frequency). This sequence change replaces threonine, which is neutral and polar, with isoleucine, which is neutral and non-polar, at codon 13 of the KCNH2 protein (p.Thr13Ile).

NM_000238.4(KCNH2):c.38C>T (p.Thr13Ile)

Gene: KCNH2 (potassium voltage-gated channel subfamily H member 2; minus strand). Cytogenetic location: 7q36.1.
Variant type: single nucleotide variant.
Coding change: c.38C>T on transcript NM_000238.4 (MANE Select); coding-DNA position 38, C replaced by T.
Protein change: p.Thr13Ile; replaces threonine 13 with isoleucine.
Molecular consequence: missense variant. On other transcripts: non-coding transcript variant (1).
Genome position (GRCh38, 1-based): chr7:150,977,876, G>A on the plus strand (C>T on the coding strand, the complement: KCNH2 is on the minus strand). VCF-style: chr7-150977876-G-A. GRCh37 (hg19) VCF-style: chr7-150674964-G-A.
Other names: c.38C>T, p.Thr13Ile (NM_172056.3); short protein forms T13I.
Identifiers: ClinVar variation 2890606 (VCV002890606.4), dbSNP rs758978727, ClinGen allele CA369866717.
Genomic context (GRCh38, chr7:150,977,876, plus strand): 5'-CTCAGCCCCCTCCCCCACTCACTCTGGCCCTCAAACTTGCGGATGATGGTGTCCAGGAAG[G>A]TGTTCTGCGGCGCGACGTGGCCCCTCCGCACCGGCATCCTGAGCCCATGGGCGGGCCGGG-3'
Protein context (NP_000229.1, residues 3-23): VRRGHVAPQN[Thr13Ile]FLDTIIRKFE